The following is an entry in ClinVar:

ClinVar aggregate classification (germline): Pathogenic/Likely pathogenic. Review status: criteria provided, multiple submitters, no conflicts (2 of 4 stars). 7 submissions from 7 submitters: Pathogenic (3); Likely pathogenic (4). Last evaluated 2025-12-22.

Conditions:
Familial adenomatous polyposis 3. Also called: NTHL1-associated polyposis; NTHL1 Tumor Syndrome; NTHL1-Related Adenomatous Polyposis and Colorectal Cancer; NTHL1-related attenuated familial adenomatous polyposis. Identifiers: Orphanet 220460, Orphanet 454840, MedGen C4225157, MONDO:0014630, OMIM 616415.
Hereditary cancer-predisposing syndrome. Also called: Tumor predisposition; Hereditary Cancer Syndrome; Hereditary neoplastic syndrome; Neoplastic Syndromes, Hereditary. Identifiers: Orphanet 140162, MedGen C0027672, MeSH D009386, MONDO:0015356.

Submissions (7):

Labcorp Genetics (formerly Invitae), Labcorp
Classification: Pathogenic. Last evaluated: 2025-12-22. Review status: criteria provided, single submitter. Criteria: Invitae Variant Classification Sherloc (09022015). Collection method: clinical testing. Allele origin: germline.
Comment: This sequence change creates a premature translational stop signal (p.Pro125Glnfs*12) in the NTHL1 gene. It is expected to result in an absent or disrupted protein product. Loss-of-function variants in NTHL1 are known to be pathogenic (PMID: 25938944, 26559593). This variant is present in population databases (no rsID available, gnomAD 0.009%). This variant has not been reported in the literature in individuals affected with NTHL1-related conditions. ClinVar contains an entry for this variant (Variation ID: 824156). For these reasons, this variant has been classified as Pathogenic.

Ambry Genetics
Classification: Pathogenic for Hereditary cancer-predisposing syndrome. Last evaluated: 2025-05-01. Review status: criteria provided, single submitter. Criteria: Ambry Variant Classification Scheme 2023. Collection method: clinical testing. Allele origin: germline.
Comment: The c.374delC pathogenic mutation, located in coding exon 2 of the NTHL1 gene, results from a deletion of one nucleotide at nucleotide position 374, causing a translational frameshift with a predicted alternate stop codon (p.P125Qfs*12). This alteration is expected to result in loss of function by premature protein truncation or nonsense-mediated mRNA decay. As such, this alteration is interpreted as a disease-causing mutation.

Fulgent Genetics
Classification: Likely pathogenic for Familial adenomatous polyposis 3. Last evaluated: 2024-04-23. Review status: criteria provided, single submitter. Criteria: ACMG Guidelines, 2015. Collection method: clinical testing. Allele origin: germline.

Baylor Genetics
Classification: Likely pathogenic for Familial adenomatous polyposis 3. Last evaluated: 2024-01-31. Review status: criteria provided, single submitter. Criteria: ACMG Guidelines, 2015. Collection method: clinical testing. Allele origin: unknown.

GeneDx
Classification: Likely pathogenic. Last evaluated: 2023-12-26. Review status: criteria provided, single submitter. Criteria: GeneDx Variant Classification Process June 2021. Collection method: clinical testing. Allele origin: germline. Affected: yes.
Comment: Frameshift variant predicted to result in protein truncation or nonsense mediated decay in a gene for which loss-of-function is a known mechanism of disease; Not observed at significant frequency in large population cohorts (gnomAD); Has not been previously published as pathogenic or benign to our knowledge

Myriad Genetics, Inc.
Classification: Pathogenic for Familial adenomatous polyposis 3. Last evaluated: 2023-09-05. Review status: criteria provided, single submitter. Criteria: Myriad Autosomal Dominant, Autosomal Recessive and X-Linked Classification Criteria (2023). Collection method: clinical testing. Allele origin: unknown.
Comment: This variant is considered pathogenic. This variant creates a frameshift predicted to result in premature protein truncation.

Quest Diagnostics Nichols Institute San Juan Capistrano
Classification: Likely pathogenic. Last evaluated: 2022-08-24. Review status: criteria provided, single submitter. Criteria: Quest Diagnostics criteria. Collection method: clinical testing. Allele origin: unknown.
Comment: The NTHL1 c.374del (p.Pro125Glnfs*12) frameshift variant has not been reported in individuals with NTHL1-related diseases in the published literature. The frequency of this variant in the general population, 0.000085 (3/35378 chromosomes), is consistent with pathogenicity. Based on the available information, this variant is classified as likely pathogenic.

Literature cited by the submitters: PubMed 25938944 (cited by Labcorp Genetics (formerly Invitae), Labcorp); PubMed 26559593 (cited by Labcorp Genetics (formerly Invitae), Labcorp).

NM_002528.7(NTHL1):c.350del (p.Pro117fs)

Gene: NTHL1 (nth like DNA glycosylase 1; minus strand). Cytogenetic location: 16p13.3.
Variant type: Deletion.
Coding change: c.350del on transcript NM_002528.7 (MANE Select); coding-DNA position 350, one base deleted (C; older notation c.350delC).
Protein change: p.Pro117fs; shifts the reading frame from proline 117.
Molecular consequence: frameshift variant. On other transcripts: intron variant (1).
Genome position (GRCh38, 1-based): chr16:2,046,132, G deleted on the plus strand (C on the coding strand, the reverse complement: NTHL1 is on the minus strand); the first of 7 consecutive G bases (chr16:2,046,132-2,046,138); deleting any one gives the same sequence. VCF-style (leftmost placement, unchanged base first): chr16-2046131-TG-T. GRCh37 (hg19) VCF-style: chr16-2096132-TG-T.
Other names: c.374delC (NM_002528.5); c.350del, p.Pro117fs (NM_001318193.2); c.24+148del (NM_001318194.2); c.374del (NM_002528.6); short protein forms P117fs.
Identifiers: ClinVar variation 824156 (VCV000824156.21), dbSNP rs763525759, ClinGen allele CA276765543.